The following is an entry in ClinVar:

ClinVar aggregate classification (germline): Uncertain significance (1 of 4 stars; one submission).

Conditions:
Gastrointestinal stromal tumor. Also called: Gastrointestinal stromal tumor, somatic; Gastrointestinal stroma tumor. Identifiers: Orphanet 44890, MedGen C0238198, MeSH D046152, MONDO:0011719, OMIM 606764, HP:0100723.

Submission:

Labcorp Genetics (formerly Invitae), Labcorp
Classification: Uncertain significance for Gastrointestinal stromal tumor. Last evaluated: 2022-03-08. Review status: criteria provided, single submitter. Criteria: Invitae Variant Classification Sherloc (09022015). Collection method: clinical testing. Allele origin: germline.
Comment: In summary, the available evidence is currently insufficient to determine the role of this variant in disease. Therefore, it has been classified as a Variant of Uncertain Significance. Algorithms developed to predict the effect of missense changes on protein structure and function output the following: SIFT: "Tolerated"; PolyPhen-2: "Benign"; Align-GVGD: "Class C0". The glutamine amino acid residue is found in multiple mammalian species, which suggests that this missense change does not adversely affect protein function. ClinVar contains an entry for this variant (Variation ID: 1061142). This variant has not been reported in the literature in individuals affected with KIT-related conditions. This variant is not present in population databases (gnomAD no frequency). This sequence change replaces lysine, which is basic and polar, with glutamine, which is neutral and polar, at codon 258 of the KIT protein (p.Lys258Gln).

NM_000222.3(KIT):c.772A>C (p.Lys258Gln)

Gene: KIT (KIT proto-oncogene, receptor tyrosine kinase; plus strand). Cytogenetic location: 4q12.
Variant type: single nucleotide variant.
Coding change: c.772A>C on transcript NM_000222.3 (MANE Select); coding-DNA position 772, A replaced by C.
Protein change: p.Lys258Gln; replaces lysine 258 with glutamine.
Molecular consequence: missense variant.
Genome position (GRCh38, 1-based): chr4:54,703,739, A>C. VCF-style: chr4-54703739-A-C. GRCh37 (hg19) VCF-style: chr4-55569905-A-C.
Other names: c.772A>C, p.Lys258Gln (NM_001093772.2, NM_001385285.1, NM_001385286.1); c.775A>C, p.Lys259Gln (NM_001385284.1, NM_001385288.1, NM_001385290.1 and 1 more transcripts); short protein forms K258Q, K259Q.
Identifiers: ClinVar variation 1061142 (VCV001061142.9), dbSNP rs2109692964, ClinGen allele CA356899287.